The following is an entry in ClinVar:

ClinVar aggregate classification (germline): Uncertain significance (1 of 4 stars; one submission).

Conditions:
Long QT syndrome (LQTS). Identifiers: MedGen C0023976, MeSH D008133, MONDO:0002442. Disease mechanism: loss of function. Inheritance: Various modes of inheritance.

Allele frequency attached by ClinVar (database versions not stated): gnomAD exomes below 0.00001.
gnomAD v4.1: 1 of 1,587,080 alleles (0.000063%); no homozygotes.

Submission:

Labcorp Genetics (formerly Invitae), Labcorp
Classification: Uncertain significance for Long QT syndrome. Last evaluated: 2022-09-01. Review status: criteria provided, single submitter. Criteria: Invitae Variant Classification Sherloc (09022015). Collection method: clinical testing. Allele origin: germline.
Comment: In summary, the available evidence is currently insufficient to determine the role of this variant in disease. Therefore, it has been classified as a Variant of Uncertain Significance. Algorithms developed to predict the effect of missense changes on protein structure and function are either unavailable or do not agree on the potential impact of this missense change (SIFT: "Deleterious"; PolyPhen-2: "Possibly Damaging"; Align-GVGD: "Class C0"). ClinVar contains an entry for this variant (Variation ID: 571361). This variant has not been reported in the literature in individuals affected with CACNA1C-related conditions. The frequency data for this variant in the population databases is considered unreliable, as metrics indicate poor data quality at this position in the gnomAD database. This sequence change replaces glycine, which is neutral and non-polar, with glutamic acid, which is acidic and polar, at codon 2047 of the CACNA1C protein (p.Gly2047Glu).

NM_000719.7(CACNA1C):c.6140G>A (p.Gly2047Glu)

Genes: CACNA1C (calcium voltage-gated channel subunit alpha1 C; plus strand), CACNA1C-AS1 (CACNA1C antisense RNA 1; minus strand). Cytogenetic location: 12p13.33.
Variant type: single nucleotide variant.
Coding change: c.6140G>A on transcript NM_000719.7 (MANE Select); coding-DNA position 6140, G replaced by A.
Protein change: p.Gly2047Glu; replaces glycine 2047 with glutamic acid.
Molecular consequence: missense variant. On other transcripts: non-coding transcript variant (1).
Genome position (GRCh38, 1-based): chr12:2,690,922, G>A. VCF-style: chr12-2690922-G-A. GRCh37 (hg19) VCF-style: chr12-2800088-G-A.
Other names: c.6284G>A, p.Gly2095Glu (NM_001129827.2); c.6263G>A, p.Gly2088Glu (NM_001129829.2); c.6245G>A, p.Gly2082Glu (NM_001129830.3, NM_001167624.3); c.6224G>A, p.Gly2075Glu (NM_001129831.2); c.6200G>A, p.Gly2067Glu (NM_001129832.2); c.6197G>A, p.Gly2066Glu (NM_001129833.2, NM_001129834.2, NM_001129835.2); c.6191G>A, p.Gly2064Glu (NM_001129836.2); c.6164G>A, p.Gly2055Glu (NM_001129837.2, NM_001129838.2); and 6 more; short protein forms G2082E, G2095E, G2047E, G2075E, G2088E, G2044E, G2055E, G2064E.
Identifiers: ClinVar variation 571361 (VCV000571361.9), dbSNP rs1166663389, ClinGen allele CA383386115.